The following is an entry in ClinVar:

NM_003737.4(DCHS1):c.2249G>A (p.Arg750Lys)

Gene: DCHS1 (dachsous cadherin-related 1; minus strand). Cytogenetic location: 11p15.4.
Variant type: single nucleotide variant.
Coding change: c.2249G>A on transcript NM_003737.4 (MANE Select); coding-DNA position 2249, G replaced by A.
Protein change: p.Arg750Lys; replaces arginine 750 with lysine.
Molecular consequence: missense variant.
Genome position (GRCh38, 1-based): chr11:6,633,618, C>T on the plus strand (G>A on the coding strand, the complement: DCHS1 is on the minus strand). VCF-style: chr11-6633618-C-T. GRCh37 (hg19) VCF-style: chr11-6654849-C-T.
Other names: short protein forms R750K.
Identifiers: ClinVar variation 3707012 (VCV003707012.2).

ClinVar aggregate classification (germline): Uncertain significance (1 of 4 stars; one submission).

Submission:

Labcorp Genetics (formerly Invitae), Labcorp
Classification: Uncertain significance. Last evaluated: 2024-11-05. Review status: criteria provided, single submitter. Criteria: Invitae Variant Classification Sherloc (09022015). Collection method: clinical testing. Allele origin: germline.
Comment: This sequence change replaces arginine, which is basic and polar, with lysine, which is basic and polar, at codon 750 of the DCHS1 protein (p.Arg750Lys). This variant is not present in population databases (gnomAD no frequency). This variant has not been reported in the literature in individuals affected with DCHS1-related conditions. Invitae Evidence Modeling of protein sequence and biophysical properties (such as structural, functional, and spatial information, amino acid conservation, physicochemical variation, residue mobility, and thermodynamic stability) indicates that this missense variant is not expected to disrupt DCHS1 protein function with a negative predictive value of 80%. In summary, the available evidence is currently insufficient to determine the role of this variant in disease. Therefore, it has been classified as a Variant of Uncertain Significance.